The following is an entry in ClinVar:

NM_001848.3(COL6A1):c.1002G>A (p.Lys334=)

Gene: COL6A1 (collagen type VI alpha 1 chain; plus strand). Cytogenetic location: 21q22.3.
Variant type: single nucleotide variant.
Coding change: c.1002G>A on transcript NM_001848.3 (MANE Select); coding-DNA position 1002, G replaced by A.
Protein change: p.Lys334=; no amino-acid change (lysine 334 retained).
Molecular consequence: synonymous variant.
Genome position (GRCh38, 1-based): chr21:45,990,422, G>A. VCF-style: chr21-45990422-G-A. GRCh37 (hg19) VCF-style: chr21-47410336-G-A.
Identifiers: ClinVar variation 3712837 (VCV003712837.2).

ClinVar aggregate classification (germline): Uncertain significance (1 of 4 stars; one submission).

Conditions:
Bethlem myopathy 1A. Also called: MYOPATHY, BENIGN CONGENITAL, WITH CONTRACTURES; Bethlem myopathy 1; Bethlem Muscular Dystrophy. Identifiers: Orphanet 610, MedGen CN029274, MONDO:0024530, OMIM 158810.

Submission:

Labcorp Genetics (formerly Invitae), Labcorp
Classification: Uncertain significance for Bethlem myopathy 1A. Last evaluated: 2025-01-24. Review status: criteria provided, single submitter. Criteria: Invitae Variant Classification Sherloc (09022015). Collection method: clinical testing. Allele origin: germline.
Comment: This sequence change affects codon 334 of the COL6A1 mRNA. It is a 'silent' change, meaning that it does not change the encoded amino acid sequence of the COL6A1 protein. This variant also falls at the last nucleotide of exon 13, which is part of the consensus splice site for this exon. This variant is not present in population databases (gnomAD no frequency). This variant has been observed in individual(s) with COL6A1-related conditions (PMID: 30706156). Variants that disrupt the consensus splice site are a relatively common cause of aberrant splicing (PMID: 17576681, 9536098). Algorithms developed to predict the effect of sequence changes on RNA splicing suggest that this variant may disrupt the consensus splice site. In summary, the available evidence is currently insufficient to determine the role of this variant in disease. Therefore, it has been classified as a Variant of Uncertain Significance.

Literature cited by the submitters: PubMed 30706156; PubMed 17576681; PubMed 9536098.